The following is an entry in ClinVar:

ClinVar aggregate classification (germline): Pathogenic/Likely pathogenic. Review status: criteria provided, multiple submitters, no conflicts (2 of 4 stars). 2 submissions from 2 submitters: Pathogenic (1); Likely pathogenic (1). Last evaluated 2024-09-08.

Conditions:
Gnathodiaphyseal dysplasia (GDD). Also called: GNATHODIAPHYSEAL SCLEROSIS; OSTEOGENESIS IMPERFECTA WITH UNUSUAL SKELETAL LESIONS. Identifiers: Orphanet 53697, MedGen C1833736, MONDO:0008151, OMIM 166260.
Autosomal recessive limb-girdle muscular dystrophy type 2L (LGMDR12). Also called: Limb-girdle muscular dystrophy, type 2L; Limb-Girdle Muscular Dystrophy R12 Anoctamin-5-Related (LGMD-R12); MUSCULAR DYSTROPHY, LIMB-GIRDLE, AUTOSOMAL RECESSIVE 12. Identifiers: Orphanet 206549, MedGen C1969785, MONDO:0012652, OMIM 611307.

Allele frequency attached by ClinVar (database versions not stated): gnomAD 0.00001; TOPMed 0.00001; 1000 Genomes Project 30x 0.00016.
gnomAD v4.1: 14 of 1,613,364 alleles (0.00087%); highest among the groups gnomAD compares: Middle Eastern, 0.017%; no homozygotes.

Submissions (2):

Labcorp Genetics (formerly Invitae), Labcorp
Classification: Pathogenic for Autosomal recessive limb-girdle muscular dystrophy type 2L; Gnathodiaphyseal dysplasia. Last evaluated: 2024-09-08. Review status: criteria provided, single submitter. Criteria: Invitae Variant Classification Sherloc (09022015). Collection method: clinical testing. Allele origin: germline.
Comment: This sequence change creates a premature translational stop signal (p.Arg799*) in the ANO5 gene. It is expected to result in an absent or disrupted protein product. Loss-of-function variants in ANO5 are known to be pathogenic (PMID: 21186264, 23606453, 25891276, 30919934). This variant is present in population databases (rs762874007, gnomAD 0.003%). This premature translational stop signal has been observed in individual(s) with autosomal recessive limb-girdle muscular dystrophy (PMID: 23606453). ClinVar contains an entry for this variant (Variation ID: 930392). For these reasons, this variant has been classified as Pathogenic.

Centre for Mendelian Genomics, University Medical Centre Ljubljana
Classification: Likely pathogenic for Gnathodiaphyseal dysplasia. Last evaluated: 2016-01-01. Review status: criteria provided, single submitter. Criteria: ACMG Guidelines, 2015. Collection method: clinical testing. Allele origin: unknown. Affected: yes.
Comment: This variant was classified as: Likely pathogenic. The following ACMG criteria were applied in classifying this variant: PM2,PM3,PM4,PP3,PP4,PP5.

Literature cited by the submitters: PubMed 21186264 (cited by Labcorp Genetics (formerly Invitae), Labcorp); PubMed 23606453 (cited by Labcorp Genetics (formerly Invitae), Labcorp); PubMed 25891276 (cited by Labcorp Genetics (formerly Invitae), Labcorp); PubMed 30919934 (cited by Labcorp Genetics (formerly Invitae), Labcorp).

NM_213599.3(ANO5):c.2395C>T (p.Arg799Ter)

Gene: ANO5 (anoctamin 5; plus strand). Cytogenetic location: 11p14.3.
Variant type: single nucleotide variant.
Coding change: c.2395C>T on transcript NM_213599.3 (MANE Select); coding-DNA position 2395, C replaced by T.
Protein change: p.Arg799Ter; replaces arginine 799 with a stop codon.
Molecular consequence: nonsense.
Genome position (GRCh38, 1-based): chr11:22,274,728, C>T. VCF-style: chr11-22274728-C-T. GRCh37 (hg19) VCF-style: chr11-22296274-C-T.
Other names: c.2392C>T, p.Arg798Ter (NM_001142649.2); short protein forms R799*, R798*.
Identifiers: ClinVar variation 930392 (VCV000930392.12), dbSNP rs762874007, ClinGen allele CA5923537.
Genomic context (GRCh38, chr11:22,274,728, plus strand): 5'-AATAGCCTGTCAGTATTCCTGATAGCTGATTTTCCAAACCACACTGCACCTTCGGAAAAA[C>T]GAGACTTCATCACTTGCAGGTGATTTGTTTGTTTGTTTGTTTAGGTTTTAGTTTTATCCC-3'